The following is an entry in ClinVar:

ClinVar aggregate classification (germline): Likely pathogenic (1 of 4 stars; one submission).

Conditions:
Deficiency of acetyl-CoA acetyltransferase. Also called: 3-KETOTHIOLASE DEFICIENCY; 3-OXOTHIOLASE DEFICIENCY; MITOCHONDRIAL ACETOACETYL-CoA THIOLASE DEFICIENCY; Beta-ketothiolase deficiency. Identifiers: Orphanet 134, MedGen C1536500, MONDO:0008760, OMIM 203750. Disease mechanism: loss of function.

Submission:

Department of Molecular Genetics, Istishari Arab Hospital
Classification: Likely pathogenic for Deficiency of acetyl-CoA acetyltransferase. Last evaluated: 2025-03-20. Review status: criteria provided, single submitter. Criteria: ACMG Guidelines, 2015. Collection method: clinical testing. Allele origin: inherited. Inheritance: Autosomal recessive inheritance. Affected: yes.
Comment: This frameshift variant is predicted to result in a premature stop codon (p.Val359Glnfs*10). Given that the variant is located upstream of the final exon-exon junction, it is expected to trigger nonsense-mediated mRNA decay (NMD), resulting in loss of functional protein (PVS1). To the best of our knowledge, this variant has not been reported in the literature. The variant is extremely rare in population databases (PM2), and a high CADD score of 24.1 supports its deleterious impact. Based on this evidence, the variant is classified as likely pathogenic per ACMG criteria: PVS1, PM2

NM_000019.4(ACAT1):c.1074_1094delinsCC (p.Val359fs)

Gene: ACAT1 (acetyl-CoA acetyltransferase 1; plus strand). Cytogenetic location: 11q22.3.
Variant type: Indel.
Coding change: c.1074_1094delinsCC on transcript NM_000019.4 (MANE Select); coding-DNA positions 1074 to 1094, GGTTGTACTAGCAAACATTAA replaced by CC.
Protein change: p.Val359fs; shifts the reading frame from valine 359.
Molecular consequence: frameshift variant. On other transcripts: non-coding transcript variant (2).
Genome position (GRCh38, 1-based): chr11:108,146,270-108,146,290, GGTTGTACTAGCAAACATTAA replaced by CC. VCF-style: chr11-108146270-GGTTGTACTAGCAAACATTAA-CC. GRCh37 (hg19) VCF-style: chr11-108016997-GGTTGTACTAGCAAACATTAA-CC.
Other names: p.Val359GlnfsTer10; c.1074_1094delinsCC, p.Val359fs (NM_001386677.1); c.759_779delinsCC, p.Val254fs (NM_001386678.1); c.777_797delinsCC, p.Val260fs (NM_001386679.1); c.804_824delinsCC, p.Val269fs (NM_001386681.1, NM_001386682.1, NM_001386685.1 and 6 more transcripts); short protein forms V254fs, V260fs, V269fs, V359fs.
Identifiers: ClinVar variation 3775168 (VCV003775168.1).